The following is an entry in ClinVar:

ClinVar aggregate classification (germline): Likely pathogenic (1 of 4 stars; one submission).

Conditions:
CSF3R-related disorder. Also called: CSF3R-related condition.

Submission:

PreventionGenetics, part of Exact Sciences
Classification: Likely pathogenic for CSF3R-related condition. Last evaluated: 2025-02-04. Review status: criteria provided, single submitter. Criteria: ACMG Guidelines, 2015. Collection method: clinical testing. Allele origin: germline.
Comment: The CSF3R c.2126G>A variant is predicted to result in premature protein termination (p.Trp709*). To our knowledge, this variant has not been reported in the literature or in a large population database (gnomAD), indicating this variant is rare. Nonsense variants in CSF3R are expected to be pathogenic. This variant is interpreted as likely pathogenic.

NM_000760.4(CSF3R):c.2126G>A (p.Trp709Ter)

Gene: CSF3R (colony stimulating factor 3 receptor; minus strand). Cytogenetic location: 1p34.3.
Variant type: single nucleotide variant.
Coding change: c.2126G>A on transcript NM_000760.4 (MANE Select); coding-DNA position 2126, G replaced by A.
Protein change: p.Trp709Ter; replaces tryptophan 709 with a stop codon.
Molecular consequence: nonsense.
Genome position (GRCh38, 1-based): chr1:36,466,742, C>T on the plus strand (G>A on the coding strand, the complement: CSF3R is on the minus strand). VCF-style: chr1-36466742-C-T. GRCh37 (hg19) VCF-style: chr1-36932343-C-T.
Other names: c.2207G>A, p.Trp736Ter (NM_156039.3); c.2126G>A, p.Trp709Ter (NM_172313.3); short protein forms W736*, W709*.
Identifiers: ClinVar variation 5000232 (VCV005000232.1).
Genomic context (GRCh38, chr1:36,466,742, plus strand): 5'-AGCACATAGGTCTGGACCAGAGTGGGGAGGCCACAGGTCTCTGAGCTGTTATGGGACTCC[C>T]AGGGCACCGGCTTCTTTTCATCCTCCTCCAGCACTGTGAGCTTGGTGATGGGTGGCGTGC-3'